The following is an entry in ClinVar:

NM_003332.4(TYROBP):c.151_152insCTGCTGATGGGAGACTGGTGCTGGGAGATCGTGATGGGAGAC (p.Asp50_Leu51insProAlaAspGlyArgLeuValLeuGlyAspArgAspGlyArg)

Gene: TYROBP (transmembrane immune signaling adaptor TYROBP; minus strand). Cytogenetic location: 19q13.12.
Variant type: Insertion.
Coding change: c.151_152insCTGCTGATGGGAGACTGGTGCTGGGAGATCGTGATGGGAGAC on transcript NM_003332.4 (MANE Select); coding-DNA positions 151 to 152, CTGCTGATGGGAGACTGGTGCTGGGAGATCGTGATGGGAGAC inserted.
Protein change: p.Asp50_Leu51insProAlaAspGlyArgLeuValLeuGlyAspArgAspGlyArg.
Molecular consequence: inframe insertion. On other transcripts: non-coding transcript variant (1).
Genome position: GRCh38: chr19:35,907,524-35,907,525. GRCh37 (hg19): chr19:36,398,426-36,398,427.
Other names: c.118_119insCTGCTGATGGGAGACTGGTGCTGGGAGATCGTGATGGGAGAC, p.Asp39_Leu40insProAlaAspGlyArgLeuValLeuGlyAspArgAspGlyArg (NM_001173514.2, NM_001173515.2); c.151_152insCTGCTGATGGGAGACTGGTGCTGGGAGATCGTGATGGGAGAC, p.Asp50_Leu51insProAlaAspGlyArgLeuValLeuGlyAspArgAspGlyArg (NM_198125.3).
Identifiers: ClinVar variation 1365726 (VCV001365726.28), dbSNP rs762708303, ClinGen allele CA9393088.
Genomic context (GRCh38, chr19:35,907,523, plus strand): 5'-CCCCGAGGGACCAGCCGGCCCAGGAAGTACACGGCCAGGGCAATGAGCACTGTCAGCACC[A>AGTCTCCCATCACGATCTCCCAGCACCAGTCTCCCATCAGCAG]GGTCTCCCATCACGATCCCTGCCAGCACGCCCGGGCTCACCGTAGAGCAACTGCAATCTG-3'

ClinVar aggregate classification (germline): Conflicting classifications of pathogenicity. Review status: criteria provided, conflicting classifications (1 of 4 stars). 2 submissions from 2 submitters: Likely pathogenic (1); Uncertain significance (1). Last evaluated 2024-02-26.

Submissions (2):

Labcorp Genetics (formerly Invitae), Labcorp
Classification: Uncertain significance. Last evaluated: 2024-02-26. Review status: criteria provided, single submitter. Criteria: Invitae Variant Classification Sherloc (09022015). Collection method: clinical testing. Allele origin: germline.
Comment: This variant, c.151_152ins42, results in the insertion of 14 amino acid(s) of the TYROBP protein (p.Asp50_Leu51ins14), but otherwise preserves the integrity of the reading frame. This variant is present in population databases (rs762708303, gnomAD 0.007%). This variant has not been reported in the literature in individuals affected with TYROBP-related conditions. ClinVar contains an entry for this variant (Variation ID: 1365726). Experimental studies and prediction algorithms are not available or were not evaluated, and the functional significance of this variant is currently unknown. In summary, the available evidence is currently insufficient to determine the role of this variant in disease. Therefore, it has been classified as a Variant of Uncertain Significance.

CeGaT Center for Human Genetics Tuebingen
Classification: Likely pathogenic. Last evaluated: 2023-09-01. Review status: criteria provided, single submitter. Criteria: CeGaT Center For Human Genetics Tuebingen Variant Classification Criteria Version 2. Collection method: clinical testing. Allele origin: germline. Affected: yes. Observed: 1 variant allele.
Comment: TYROBP: PM2, PM3, PM4, PS3:Supporting